The following is an entry in ClinVar:

ClinVar aggregate classification (germline): Pathogenic. Review status: criteria provided, single submitter (1 of 4 stars). 2 submissions from 2 submitters: Pathogenic (1). 1 of the submissions does not count toward it. Last evaluated 2026-07-15.

Conditions:
Hereditary cancer-predisposing syndrome. Also called: Tumor predisposition; Hereditary Cancer Syndrome; Hereditary neoplastic syndrome; Neoplastic Syndromes, Hereditary. Identifiers: Orphanet 140162, MedGen C0027672, MeSH D009386, MONDO:0015356.
FLCN-related disorder. Also called: FLCN-related condition.

Submissions (2):

Ambry Genetics
Classification: Pathogenic for Hereditary cancer-predisposing syndrome. Last evaluated: 2026-07-15. Review status: criteria provided, single submitter. Criteria: Ambry Variant Classification Scheme 2023. Collection method: clinical testing. Allele origin: germline.
Comment: The c.837dupC pathogenic mutation, located in coding exon 5 of the FLCN gene, results from a duplication of C at nucleotide position 837, causing a translational frameshift with a predicted alternate stop codon (p.E280Rfs*12). This variant was reported in individual(s) with features consistent with Birt-Hogg-Dube syndrome (Ambry internal data). This variant is considered to be rare based on population cohorts in the Genome Aggregation Database (gnomAD). This alteration is expected to result in loss of function by premature protein truncation or nonsense-mediated mRNA decay. As such, this alteration is interpreted as a disease-causing mutation.

PreventionGenetics, part of Exact Sciences
Classification: Likely pathogenic for FLCN-related condition. Last evaluated: 2024-07-23. Review status: no assertion criteria provided. Collection method: clinical testing. Allele origin: germline. Not counted in ClinVar's aggregate classification.
Comment: The FLCN c.837dupC variant is predicted to result in a frameshift and premature protein termination (p.Glu280Argfs*12). To our knowledge, this variant has not been reported in the literature or in a large population database, indicating this variant is rare. Frameshift variants in FLCN are expected to be pathogenic. This variant is interpreted as likely pathogenic.

NM_144997.7(FLCN):c.837dup (p.Glu280fs)

Gene: FLCN (folliculin; minus strand). Cytogenetic location: 17p11.2.
Variant type: Duplication.
Coding change: c.837dup on transcript NM_144997.7 (MANE Select); coding-DNA position 837, one base duplicated (C; older notation c.837dupC).
Protein change: p.Glu280fs; shifts the reading frame from glutamic acid 280.
Molecular consequence: frameshift variant.
Genome position (GRCh38, 1-based): chr17:17,221,571, G duplicated on the plus strand (C on the coding strand, the reverse complement: FLCN is on the minus strand); the first of 2 consecutive G bases (chr17:17,221,571-17,221,572); duplicating either gives the same sequence. VCF-style (leftmost placement, unchanged base first): chr17-17221570-C-CG. GRCh37 (hg19) VCF-style: chr17-17124884-C-CG.
Other names: c.837dupC (NM_144997.5); c.891dup, p.Glu298fs (NM_001353229.2); c.837dup, p.Glu280fs (NM_001353230.2, NM_001353231.2, NM_144606.7); short protein forms E280fs, E298fs.
Identifiers: ClinVar variation 3344214 (VCV003344214.2).
Genomic context (GRCh38, chr17:17,221,570, plus strand): 5'-GCCCCGGCAACAGCACCCCTGCCTCACCAGCGAGCTTCTCCATCTGGACCAAGGTATCCT[C>CG]GGTCGGAGCACCTTCCAGGAGCTTCTCGGTCAGCCGGCTGCCACACGCCTTCAGGAGCCT-3'